The following is an entry in ClinVar:

NM_007294.4(BRCA1):c.5358G>A (p.Leu1786=)

Gene: BRCA1 (BRCA1 DNA repair associated; minus strand). Cytogenetic location: 17q21.31.
Variant type: single nucleotide variant.
Coding change: c.5358G>A on transcript NM_007294.4 (MANE Select); coding-DNA position 5358, G replaced by A.
Protein change: p.Leu1786=; no amino-acid change (leucine 1786 retained).
Molecular consequence: synonymous variant. On other transcripts: intron variant (19).
Genome position (GRCh38, 1-based): chr17:43,049,169, C>T on the plus strand (G>A on the coding strand, the complement: BRCA1 is on the minus strand). VCF-style: chr17-43049169-C-T. GRCh37 (hg19) VCF-style: chr17-41201186-C-T.
Other names: c.5145G>A, p.Leu1715= (NM_001407571.1, NM_001407894.1, NM_001407895.1 and 12 more transcripts); c.5424G>A, p.Leu1808= (NM_001407581.1, NM_001407582.1); c.5421G>A, p.Leu1807= (NM_001407583.1, NM_001407585.1, NM_001407587.1 and 1 more transcripts); c.5418G>A, p.Leu1806= (NM_001407590.1, NM_001407591.1); c.5358G>A, p.Leu1786= (NM_001407593.1, NM_001407594.1, NM_001407596.1 and 5 more transcripts); c.5355G>A, p.Leu1785= (NM_001407610.1, NM_001407611.1, NM_001407612.1 and 14 more transcripts); c.5352G>A, p.Leu1784= (NM_001407627.1, NM_001407628.1, NM_001407629.1 and 13 more transcripts); c.5349G>A, p.Leu1783= (NM_001407644.1, NM_001407645.1); and 84 more.
Identifiers: ClinVar variation 865379 (VCV000865379.8), dbSNP rs1057522271, ClinGen allele CA500143310.

ClinVar aggregate classification (germline): Likely benign (1 of 4 stars; one submission).

Conditions:
Hereditary breast ovarian cancer syndrome. Also called: Hereditary breast and/or ovarian cancer syndrome; BRCA1- and BRCA2-Associated Hereditary Breast and Ovarian Cancer; Hereditary breast and ovarian cancer syndrome; Hereditary breast and ovarian cancer; Hereditary breast and ovarian cancer syndrome (HBOC); Breast and ovarian cancer. Identifiers: Orphanet 145, MedGen C0677776, MeSH D061325, MONDO:0003582. Disease mechanism: loss of function.

Submissions (2):

Labcorp Genetics (formerly Invitae), Labcorp
Classification: Likely benign for Hereditary breast ovarian cancer syndrome. Last evaluated: 2024-07-22. Review status: criteria provided, single submitter. Criteria: Invitae Variant Classification Sherloc (09022015). Collection method: clinical testing. Allele origin: germline.

Brotman Baty Institute, University of Washington
No classification provided (evidence only). Condition: Breast-ovarian cancer, familial 1. Review status: no classification provided. Collection method: in vitro. Allele origin: not applicable. Functional consequence: functionally_normal. Not counted in ClinVar's aggregate classification.
ClinVar note: "not provided" was previously submitted as the classification for the variant. However, the classification appeared to be based only on an observation of functional data so it was converted to no classification on 2025-07-30.